The following is an entry in ClinVar:

ClinVar aggregate classification (germline): Uncertain significance (1 of 4 stars; one submission).

Submission:

Labcorp Genetics (formerly Invitae), Labcorp
Classification: Uncertain significance. Last evaluated: 2025-09-13. Review status: criteria provided, single submitter. Criteria: Invitae Variant Classification Sherloc (09022015). Collection method: clinical testing. Allele origin: germline.
Comment: This variant, c.5094_5096dup, results in the insertion of 1 amino acid(s) of the CASZ1 protein (p.Asp1698dup), but otherwise preserves the integrity of the reading frame. The frequency data for this variant in the population databases is considered unreliable, as metrics indicate poor data quality at this position in the gnomAD database. This variant has not been reported in the literature in individuals affected with CASZ1-related conditions. In summary, the available evidence is currently insufficient to determine the role of this variant in disease. Therefore, it has been classified as a Variant of Uncertain Significance.

NM_001079843.3(CASZ1):c.5088CGA[4] (p.Asp1698_Glu1699insAsp)

Gene: CASZ1 (castor zinc finger 1; minus strand). Cytogenetic location: 1p36.22.
Variant type: Microsatellite.
Coding change: c.5088CGA[4] on transcript NM_001079843.3 (MANE Select); four copies in a row of the 3-base unit CGA starting at c.5088; the reference has three copies in a row; one copy, 3 bases duplicated.
Protein change: p.Asp1698_Glu1699insAsp.
Genome position (GRCh38, 1-based): chr1:10,639,126-10,639,128, TCG duplicated on the plus strand (CGA on the coding strand, the reverse complement: CASZ1 is on the minus strand); duplicating any 3 consecutive bases within chr1:10,639,126-10,639,136 gives the same sequence; the position shown is the placement nearest the transcript's 3' end. VCF-style (leftmost placement, unchanged base first): chr1-10639125-C-CTCG. GRCh37 (hg19) VCF-style: chr1-10699182-C-CTCG.
Identifiers: ClinVar variation 3671184 (VCV003671184.2).